The following is an entry in ClinVar:

ClinVar aggregate classification (germline): Uncertain significance (0 of 4 stars; one submission).

Conditions:
Prostate cancer. Also called: Malignant tumor of prostate. Identifiers: Orphanet 1331, MedGen C0376358, MONDO:0008315, HP:0012125.

Submission:

Science for Life laboratory,  Karolinska Institutet
Classification: Uncertain significance for Malignant tumor of prostate. Review status: no assertion criteria provided. Collection method: not provided. Allele origin: somatic.
Comment: TumorID:SWE-9
ClinVar note: Converted during submission from Unknown to Uncertain significance.

NM_001248.4(ENTPD3):c.812T>A (p.Phe271Tyr)

Genes: ENTPD3 (ectonucleoside triphosphate diphosphohydrolase 3; plus strand), ENTPD3-AS1 (ENTPD3, EIF1B and MYRIP antisense RNA 1; minus strand). Cytogenetic location: 3p22.1.
Variant type: single nucleotide variant.
Coding change: c.812T>A on transcript NM_001248.4 (MANE Select); coding-DNA position 812, T replaced by A.
Protein change: p.Phe271Tyr; replaces phenylalanine 271 with tyrosine.
Molecular consequence: missense variant.
Genome position (GRCh38, 1-based): chr3:40,416,054, T>A. VCF-style: chr3-40416054-T-A. GRCh37 (hg19) VCF-style: chr3-40457545-T-A.
Other names: c.812T>A, p.Phe271Tyr (NM_001291960.2, NM_001291961.2); short protein forms F271Y.
Identifiers: ClinVar variation 161579 (VCV000161579.2), dbSNP rs193921050, ClinGen allele CA174386.